The following is an entry in ClinVar:

NM_001382391.1(CSPP1):c.1245+197A>G

Gene: CSPP1 (centrosome and spindle pole associated protein 1; plus strand). Cytogenetic location: 8q13.2.
Variant type: single nucleotide variant.
Coding change: c.1245+197A>G on transcript NM_001382391.1 (MANE Select); 197 bases into the intron after coding-DNA position 1245, A replaced by G.
Molecular consequence: intron variant.
Genome position (GRCh38, 1-based): chr8:67,114,059, A>G. VCF-style: chr8-67114059-A-G. GRCh37 (hg19) VCF-style: chr8-68026294-A-G.
Other names: c.1245+197A>G (NM_001363132.2); c.1164+197A>G (NM_001363131.2, NM_001363133.2); c.1353+197A>G (NM_001364869.1); c.1272+197A>G (NM_024790.7, NM_001438331.1, NM_001438330.1); c.1173+197A>G (NM_001364870.1); c.951-4189A>G (NM_001438332.1); c.390+197A>G (NM_001291339.2).
Identifiers: ClinVar variation 672852 (VCV000672852.2), dbSNP rs7833956, ClinGen allele CA178207897.

ClinVar aggregate classification (germline): Benign. Review status: criteria provided, multiple submitters, no conflicts (2 of 4 stars). 2 submissions from 2 submitters: Benign (2). Last evaluated 2018-06-16.

Allele frequency attached by ClinVar (database versions not stated): gnomAD exomes 0.02011; TOPMed 0.03079; gnomAD 0.03606 and 0.03644; 1000 Genomes Project 30x 0.04497; 1000 Genomes Project 0.04613.
gnomAD v4.1: 10,953 of 425,070 alleles (2.6%); highest among the groups gnomAD compares: African/African-American, 8.2%; 370 homozygotes.

Submissions (2):

GeneDx
Classification: Benign. Last evaluated: 2018-06-16. Review status: criteria provided, single submitter. Criteria: GeneDx Variant Classification (06012015). Collection method: clinical testing. Allele origin: germline. Affected: yes.
Comment: This variant is considered likely benign or benign based on one or more of the following criteria: it is a conservative change, it occurs at a poorly conserved position in the protein, it is predicted to be benign by multiple in silico algorithms, and/or has population frequency not consistent with disease.

Breakthrough Genomics
Classification: Benign. Review status: criteria provided, single submitter. Criteria: ACMG Guidelines, 2015. Collection method: not provided. Allele origin: germline. Inheritance: Autosomal recessive inheritance. Affected: yes.